The following is an entry in ClinVar:

ClinVar aggregate classification (germline): Pathogenic/Likely pathogenic. Review status: criteria provided, multiple submitters, no conflicts (2 of 4 stars). 2 submissions from 2 submitters: Pathogenic (1); Likely pathogenic (1). Last evaluated 2024-06-06.

Conditions:
Pontocerebellar hypoplasia type 4 (PCH4). Also called: Pontocerebellar Hypoplasia Type 4 (PCH4). Identifiers: Orphanet 166063, MedGen C1856974, MONDO:0009166, OMIM 225753.
Pontocerebellar hypoplasia type 2A (PCH2A). Also called: PONTOCEREBELLAR HYPOPLASIA WITH PROGRESSIVE CEREBRAL ATROPHY; VOLENDAM NEURODEGENERATIVE DISEASE. Identifiers: Orphanet 2524, MedGen C1848526, MONDO:0010190, OMIM 277470.
Pontocerebellar hypoplasia type 5 (PCH5). Also called: Pontocerebellar Hypoplasia Type 5 (PCH5). Identifiers: Orphanet 166068, MedGen C1857762, MONDO:0012438, OMIM 610204.

Submissions (2):

Fulgent Genetics
Classification: Likely pathogenic for Pontocerebellar hypoplasia type 4; Pontocerebellar hypoplasia type 2A; Pontocerebellar hypoplasia type 5. Last evaluated: 2024-06-06. Review status: criteria provided, single submitter. Criteria: ACMG Guidelines, 2015. Collection method: clinical testing. Allele origin: germline.

Labcorp Genetics (formerly Invitae), Labcorp
Classification: Pathogenic. Last evaluated: 2022-02-03. Review status: criteria provided, single submitter. Criteria: Invitae Variant Classification Sherloc (09022015). Collection method: clinical testing. Allele origin: germline.
Comment: This variant has not been reported in the literature in individuals affected with TSEN54-related conditions. For these reasons, this variant has been classified as Pathogenic. This sequence change creates a premature translational stop signal (p.Gln259*) in the TSEN54 gene. It is expected to result in an absent or disrupted protein product. Loss-of-function variants in TSEN54 are known to be pathogenic (PMID: 18711368, 20952379). This variant is not present in population databases (gnomAD no frequency).

Literature cited by the submitters: PubMed 18711368 (cited by Labcorp Genetics (formerly Invitae), Labcorp); PubMed 20952379 (cited by Labcorp Genetics (formerly Invitae), Labcorp).

NM_207346.3(TSEN54):c.775C>T (p.Gln259Ter)

Gene: TSEN54 (tRNA splicing endonuclease subunit 54; plus strand). Cytogenetic location: 17q25.1.
Variant type: single nucleotide variant.
Coding change: c.775C>T on transcript NM_207346.3 (MANE Select); coding-DNA position 775, C replaced by T.
Protein change: p.Gln259Ter; replaces glutamine 259 with a stop codon.
Molecular consequence: nonsense.
Genome position (GRCh38, 1-based): chr17:75,521,856, C>T. VCF-style: chr17-75521856-C-T. GRCh37 (hg19) VCF-style: chr17-73517937-C-T.
Other names: short protein forms Q259*.
Identifiers: ClinVar variation 1454338 (VCV001454338.7), dbSNP rs2147013169, ClinGen allele CA401028971.
Genomic context (GRCh38, chr17:75,521,856, plus strand): 5'-CAATGCCCAGAGGAGAAACCCCAGGAGTCAAGCCCCATGAAGGGCCCAGGGGGCCCCTTT[C>T]AGCTTCTGGGGTCCCTGGGCCCCAGCCCTGGCCCGGCCAGGGAGGGGGTGGGGTGCAGCT-3'